The following is an entry in ClinVar:

ClinVar aggregate classification (germline): Likely benign. Review status: criteria provided, multiple submitters, no conflicts (2 of 4 stars). 2 submissions from 2 submitters: Likely benign (2). Last evaluated 2025-10-05.

Conditions:
Capillary malformation-arteriovenous malformation syndrome. Also called: Capillary malformation-arteriovenous malformation. Identifiers: Orphanet 137667, MedGen C1842180, MONDO:0012016.

Allele frequency attached by ClinVar (database versions not stated): 1000 Genomes Project 0.00020; ExAC 0.00003; gnomAD exomes 0.00001 and 0.00003; gnomAD 0.00001; 1000 Genomes Project 30x 0.00016.
gnomAD v4.1: 13 of 1,610,076 alleles (0.00081%); highest among the groups gnomAD compares: East Asian, 0.016%; no homozygotes.

Submissions (2):

Labcorp Genetics (formerly Invitae), Labcorp
Classification: Likely benign for Capillary malformation-arteriovenous malformation syndrome. Last evaluated: 2025-10-05. Review status: criteria provided, single submitter. Criteria: Invitae Variant Classification Sherloc (09022015). Collection method: clinical testing. Allele origin: germline.

Mayo Clinic Laboratories, Mayo Clinic
Classification: Likely benign. Last evaluated: 2025-08-28. Review status: criteria provided, single submitter. Criteria: ACMG Guidelines, 2015. Collection method: clinical testing. Allele origin: germline. Observed: 1 variant allele.
Comment: BS1, BP4, BP7

NM_002890.3(RASA1):c.1938T>C (p.Asp646=)

Genes: CCNH (cyclin H; minus strand), RASA1 (RAS p21 protein activator 1; plus strand). Cytogenetic location: 5q14.3.
Variant type: single nucleotide variant.
Coding change: c.1938T>C on transcript NM_002890.3 (MANE Select); coding-DNA position 1938, T replaced by C.
Protein change: p.Asp646=; no amino-acid change (aspartic acid 646 retained).
Molecular consequence: synonymous variant. On other transcripts: intron variant (1).
Genome position (GRCh38, 1-based): chr5:87,374,843, T>C. VCF-style: chr5-87374843-T-C. GRCh37 (hg19) VCF-style: chr5-86670660-T-C.
Other names: p.Asp646=; c.1407T>C, p.Asp469= (NM_022650.3); c.933+20201A>G (NM_001364075.2).
Identifiers: ClinVar variation 416848 (VCV000416848.50), dbSNP rs549861815, ClinGen allele CA3335888.